The following is an entry in ClinVar:

ClinVar aggregate classification (germline): Uncertain significance (1 of 4 stars; one submission).

Submission:

GeneDx
Classification: Uncertain significance. Last evaluated: 2022-09-23. Review status: criteria provided, single submitter. Criteria: GeneDx Variant Classification Process June 2021. Collection method: clinical testing. Allele origin: germline. Affected: yes.
Comment: Not observed at significant frequency in large population cohorts (gnomAD); In silico analysis supports that this missense variant does not alter protein structure/function; Has not been previously published as pathogenic or benign to our knowledge; Not located in the triple helical region, where the majority of pathogenic missense variants occur (HGMD; Acke et al., 2014); This variant is associated with the following publications: (PMID: 25240749)

NM_001854.4(COL11A1):c.1081G>A (p.Glu361Lys)

Gene: COL11A1 (collagen type XI alpha 1 chain; minus strand). Cytogenetic location: 1p21.1.
Variant type: single nucleotide variant.
Coding change: c.1081G>A on transcript NM_001854.4 (MANE Select); coding-DNA position 1081, G replaced by A.
Protein change: p.Glu361Lys; replaces glutamic acid 361 with lysine.
Molecular consequence: missense variant. On other transcripts: non-coding transcript variant (1), intron variant (1).
Genome position (GRCh38, 1-based): chr1:103,022,906, C>T on the plus strand (G>A on the coding strand, the complement: COL11A1 is on the minus strand). VCF-style: chr1-103022906-C-T. GRCh37 (hg19) VCF-style: chr1-103488462-C-T.
Other names: c.964G>A, p.Glu322Lys (NM_001190709.2); c.1117G>A, p.Glu373Lys (NM_080629.3); c.898-1137G>A (NM_080630.4); short protein forms E322K, E361K, E373K.
Identifiers: ClinVar variation 2446282 (VCV002446282.1), dbSNP rs2525583076, ClinGen allele CA341154838.